The following is an entry in ClinVar:

NM_031946.7(AGAP3):c.970-4T>G

Gene: AGAP3 (ArfGAP with GTPase domain, ankyrin repeat and PH domain 3; plus strand). Cytogenetic location: 7q36.1.
Variant type: single nucleotide variant.
Coding change: c.970-4T>G on transcript NM_031946.7 (MANE Select); 4 bases into the intron before coding-DNA position 970, T replaced by G.
Molecular consequence: intron variant.
Genome position (GRCh38, 1-based): chr7:151,119,983, T>G. VCF-style: chr7-151119983-T-G. GRCh37 (hg19) VCF-style: chr7-150817070-T-G.
Other names: c.-295-4T>G (NM_001350104.2, NM_001350103.2); c.286-4T>G (NM_001281300.2); c.970-4T>G (NM_001350102.2, NM_001042535.4); c.969+1351T>G (NM_001308304.2); c.1510-4T>G (NM_001308305.2).
Identifiers: ClinVar variation 2658181 (VCV002658181.24), dbSNP rs138479600, ClinGen allele CA4572791.
Genomic context (GRCh38, chr7:151,119,983, plus strand): 5'-ACCCGCCTGGTGCCCGTCCCGCCCCTGACCCGGAGCTGCCCTCAGCAGCCCTCTTTGTCC[T>G]TAGGCCACGAATGGCGGCGGCAGCGCCTTCAGCGACTACTCGTCCTCAGTCCCCTCCACC-3'

ClinVar aggregate classification (germline): Likely benign (1 of 4 stars; one submission).

Allele frequency attached by ClinVar (database versions not stated): 1000 Genomes Project 30x 0.00187; 1000 Genomes Project 0.00200; TOPMed 0.00368; gnomAD 0.00401; ESP Exome Variant Server 0.00482; ExAC 0.00486; gnomAD exomes 0.00568.
gnomAD v4.1: 8,829 of 1,613,510 alleles (0.55%); highest among the groups gnomAD compares: Non-Finnish European, 0.65%; 28 homozygotes.

Submission:

CeGaT Center for Human Genetics Tuebingen
Classification: Likely benign. Last evaluated: 2022-09-01. Review status: criteria provided, single submitter. Criteria: CeGaT Center For Human Genetics Tuebingen Variant Classification Criteria Version 2. Collection method: clinical testing. Allele origin: germline. Affected: yes. Observed: 1 variant allele.
Comment: AGAP3: BP4, BS2